The following is an entry in ClinVar:

ClinVar aggregate classification (germline): Uncertain significance. Review status: criteria provided, multiple submitters, no conflicts (2 of 4 stars). 2 submissions from 2 submitters: Uncertain significance (2). Last evaluated 2025-08-24.

Conditions:
Hereditary sensory neuropathy-deafness-dementia syndrome. Also called: HSN IE; NEUROPATHY, HEREDITARY SENSORY, WITH HEARING LOSS AND DEMENTIA; Hereditary sensory neuropathy type IE; Hereditary Sensory and Autonomic Neuropathy Type 1E (HSAN1E). Identifiers: Orphanet 456318, MedGen C3279885, MONDO:0013584, OMIM 614116.
Inborn genetic diseases. Identifiers: MedGen C0950123, MeSH D030342.

Allele frequency attached by ClinVar (database versions not stated): 1000 Genomes Project below 0.00001; gnomAD exomes 0.00002 and 0.00004; ExAC 0.00003; gnomAD 0.00003 and 0.00004; TOPMed 0.00003; ESP Exome Variant Server 0.00015.
gnomAD v4.1: 61 of 1,613,910 alleles (0.0038%); highest among the groups gnomAD compares: Non-Finnish European, 0.0045%; no homozygotes.

Submissions (2):

Labcorp Genetics (formerly Invitae), Labcorp
Classification: Uncertain significance for Hereditary sensory neuropathy-deafness-dementia syndrome. Last evaluated: 2025-08-24. Review status: criteria provided, single submitter. Criteria: Invitae Variant Classification Sherloc (09022015). Collection method: clinical testing. Allele origin: germline.
Comment: This sequence change replaces threonine, which is neutral and polar, with isoleucine, which is neutral and non-polar, at codon 1220 of the DNMT1 protein (p.Thr1220Ile). This variant is present in population databases (rs142648642, gnomAD 0.005%). This variant has not been reported in the literature in individuals affected with DNMT1-related conditions. ClinVar contains an entry for this variant (Variation ID: 934405). Invitae Evidence Modeling of protein sequence and biophysical properties (such as structural, functional, and spatial information, amino acid conservation, physicochemical variation, residue mobility, and thermodynamic stability) indicates that this missense variant is not expected to disrupt DNMT1 protein function with a negative predictive value of 80%. In summary, the available evidence is currently insufficient to determine the role of this variant in disease. Therefore, it has been classified as a Variant of Uncertain Significance.

Ambry Genetics
Classification: Uncertain significance for Inborn genetic diseases. Last evaluated: 2022-02-28. Review status: criteria provided, single submitter. Criteria: Ambry Variant Classification Scheme 2023. Collection method: clinical testing. Allele origin: germline.
Comment: The p.T1204I variant (also known as c.3611C>T), located in coding exon 32 of the DNMT1 gene, results from a C to T substitution at nucleotide position 3611. The threonine at codon 1204 is replaced by isoleucine, an amino acid with similar properties. This amino acid position is well conserved in available vertebrate species. In addition, this alteration is predicted to be tolerated by in silico analysis. Since supporting evidence is limited at this time, the clinical significance of this alteration remains unclear.

NM_001130823.3(DNMT1):c.3659C>T (p.Thr1220Ile)

Gene: DNMT1 (DNA methyltransferase 1; minus strand). Cytogenetic location: 19p13.2.
Variant type: single nucleotide variant.
Coding change: c.3659C>T on transcript NM_001130823.3 (MANE Select); coding-DNA position 3659, C replaced by T.
Protein change: p.Thr1220Ile; replaces threonine 1220 with isoleucine.
Molecular consequence: missense variant.
Genome position (GRCh38, 1-based): chr19:10,140,193, G>A on the plus strand (C>T on the coding strand, the complement: DNMT1 is on the minus strand). VCF-style: chr19-10140193-G-A. GRCh37 (hg19) VCF-style: chr19-10250869-G-A.
Other names: c.3611C>T, p.Thr1204Ile (NM_001318730.2, NM_001379.4); c.3296C>T, p.Thr1099Ile (NM_001318731.2); short protein forms T1204I, T1099I, T1220I.
Identifiers: ClinVar variation 934405 (VCV000934405.11), dbSNP rs142648642, ClinGen allele CA9187697.